The following is an entry in ClinVar:

ClinVar aggregate classification (germline): Benign (0 of 4 stars; one submission).

Conditions:
NUP88-related disorder. Also called: NUP88-related condition.

Allele frequency attached by ClinVar (database versions not stated): gnomAD exomes 0.00134; gnomAD 0.00220; TOPMed 0.00457; 1000 Genomes Project 0.00459; ExAC 0.00482; 1000 Genomes Project 30x 0.00515.

Submission:

PreventionGenetics, part of Exact Sciences
Classification: Benign for NUP88-related condition. Last evaluated: 2019-06-07. Review status: no assertion criteria provided. Collection method: clinical testing. Allele origin: germline.
Comment: This variant is classified as benign based on ACMG/AMP sequence variant interpretation guidelines (Richards et al. 2015 PMID: 25741868, with internal and published modifications).

NM_002532.6(NUP88):c.1010T>C (p.Val337Ala)

Gene: NUP88 (nucleoporin 88; minus strand). Cytogenetic location: 17p13.2.
Variant type: single nucleotide variant.
Coding change: c.1010T>C on transcript NM_002532.6 (MANE Select); coding-DNA position 1010, T replaced by C.
Protein change: p.Val337Ala; replaces valine 337 with alanine.
Molecular consequence: missense variant.
Genome position (GRCh38, 1-based): chr17:5,405,091, A>G on the plus strand (T>C on the coding strand, the complement: NUP88 is on the minus strand). VCF-style: chr17-5405091-A-G. GRCh37 (hg19) VCF-style: chr17-5308411-A-G.
Other names: c.1010T>C, p.Val337Ala (NM_001320653.2); short protein forms V337A.
Identifiers: ClinVar variation 3041989 (VCV003041989.2), dbSNP rs181249279, ClinGen allele CA8324423.
Genomic context (GRCh38, chr17:5,405,091, plus strand): 5'-AAACAACCACAGCAGCCTGCACTTACCGTGTGGTCATCTTCTTCTTCCCCTTCTAGCACG[A>G]CACAGTGATACAGCATTCCTGATTCAGTAGCGATCACTAAGATATTGGGGACACAGGGTA-3'
Protein context (NP_002523.2, residues 327-347): ATESGMLYHC[Val337Ala]VLEGEEEDDH